The following is an entry in ClinVar:

NM_001136472.2(LITAF):c.102C>A (p.Pro34=)

Gene: LITAF (lipopolysaccharide induced TNF factor; minus strand). Cytogenetic location: 16p13.13.
Variant type: single nucleotide variant.
Coding change: c.102C>A on transcript NM_001136472.2 (MANE Select); coding-DNA position 102, C replaced by A.
Protein change: p.Pro34=; no amino-acid change (proline 34 retained).
Molecular consequence: synonymous variant. On other transcripts: non-coding transcript variant (1).
Genome position (GRCh38, 1-based): chr16:11,556,629, G>T on the plus strand (C>A on the coding strand, the complement: LITAF is on the minus strand). VCF-style: chr16-11556629-G-T. GRCh37 (hg19) VCF-style: chr16-11650485-G-T.
Other names: c.102C>A, p.Pro34= (NM_001136473.1, NM_004862.4).
Identifiers: ClinVar variation 1529385 (VCV001529385.22), dbSNP rs369748649, ClinGen allele CA7904184.

ClinVar aggregate classification (germline): Likely benign. Review status: criteria provided, multiple submitters, no conflicts (2 of 4 stars). 2 submissions from 2 submitters: Likely benign (2). Last evaluated 2024-09-01.

Conditions:
Charcot-Marie-Tooth disease type 1C. Also called: Charcot-Marie-Tooth disease, type IC; CHARCOT-MARIE-TOOTH NEUROPATHY, TYPE 1C; NEUROPATHY, HEREDITARY MOTOR AND SENSORY, TYPE IC; CHARCOT-MARIE-TOOTH DISEASE, DEMYELINATING, TYPE 1C; CMT, SLOW NERVE CONDUCTION TYPE C; HMSN IC. Identifiers: Orphanet 101083, MedGen C0270913, MONDO:0010995, OMIM 601098.

Allele frequency attached by ClinVar (database versions not stated): ExAC 0.00001; gnomAD exomes 0.00001; ESP Exome Variant Server 0.00008.
gnomAD v4.1: 6 of 1,614,204 alleles (0.00037%); highest among the groups gnomAD compares: Non-Finnish European, 0.00051%; no homozygotes.

Submissions (2):

CeGaT Center for Human Genetics Tuebingen
Classification: Likely benign. Last evaluated: 2024-09-01. Review status: criteria provided, single submitter. Criteria: CeGaT Center For Human Genetics Tuebingen Variant Classification Criteria Version 2. Collection method: clinical testing. Allele origin: germline. Affected: yes. Observed: 1 variant allele.
Comment: LITAF: BP4, BP7

Labcorp Genetics (formerly Invitae), Labcorp
Classification: Likely benign for Charcot-Marie-Tooth disease type 1C. Last evaluated: 2021-05-17. Review status: criteria provided, single submitter. Criteria: Invitae Variant Classification Sherloc (09022015). Collection method: clinical testing. Allele origin: germline.